The following is an entry in ClinVar:

NM_178452.6(DNAAF1):c.712C>A (p.Leu238Met)

Gene: DNAAF1 (dynein axonemal assembly factor 1; plus strand). Cytogenetic location: 16q24.1.
Variant type: single nucleotide variant.
Coding change: c.712C>A on transcript NM_178452.6 (MANE Select); coding-DNA position 712, C replaced by A.
Protein change: p.Leu238Met; replaces leucine 238 with methionine.
Molecular consequence: missense variant.
Genome position (GRCh38, 1-based): chr16:84,155,720, C>A. VCF-style: chr16-84155720-C-A. GRCh37 (hg19) VCF-style: chr16-84189325-C-A.
Other names: short protein forms L238M.
Identifiers: ClinVar variation 1928623 (VCV001928623.5), dbSNP rs2087394618, ClinGen allele CA396943881.
Genomic context (GRCh38, chr16:84,155,720, plus strand): 5'-GAGTGTTTGAGGCTTTGTGTCCTTGACCTTTCGCACAACAAGCTGAGTGACCCGGAGATC[C>A]TGAGCATTCTGGAAAGCATGCCCGATTTGGTAAAAAACAAAAACAAAAACAACGAAAAAG-3'
Protein context (NP_848547.4, residues 228-248): SHNKLSDPEI[Leu238Met]SILESMPDLR

ClinVar aggregate classification (germline): Uncertain significance (1 of 4 stars; one submission).

Conditions:
Primary ciliary dyskinesia. Also called: Ciliary dyskinesia. Identifiers: Orphanet 244, MedGen C0008780, MONDO:0016575, HP:0012265.

Submission:

Labcorp Genetics (formerly Invitae), Labcorp
Classification: Uncertain significance for Primary ciliary dyskinesia. Last evaluated: 2022-02-10. Review status: criteria provided, single submitter. Criteria: Invitae Variant Classification Sherloc (09022015). Collection method: clinical testing. Allele origin: germline.
Comment: Algorithms developed to predict the effect of missense changes on protein structure and function are either unavailable or do not agree on the potential impact of this missense change (SIFT: "Deleterious"; PolyPhen-2: "Probably Damaging"; Align-GVGD: "Class C0"). In summary, the available evidence is currently insufficient to determine the role of this variant in disease. Therefore, it has been classified as a Variant of Uncertain Significance. This variant has not been reported in the literature in individuals affected with DNAAF1-related conditions. This sequence change replaces leucine, which is neutral and non-polar, with methionine, which is neutral and non-polar, at codon 238 of the DNAAF1 protein (p.Leu238Met). This variant is not present in population databases (gnomAD no frequency).